The following is an entry in ClinVar:

NM_170665.4(ATP2A2):c.2305G>A (p.Gly769Arg)

Gene: ATP2A2 (ATPase sarcoplasmic/endoplasmic reticulum Ca2+ transporting 2; plus strand). Cytogenetic location: 12q24.11.
Variant type: single nucleotide variant.
Coding change: c.2305G>A on transcript NM_170665.4 (MANE Select); coding-DNA position 2305, G replaced by A.
Protein change: p.Gly769Arg; replaces glycine 769 with arginine.
Molecular consequence: missense variant.
Genome position (GRCh38, 1-based): chr12:110,342,435, G>A. VCF-style: chr12-110342435-G-A. GRCh37 (hg19) VCF-style: chr12-110780240-G-A.
Other names: c.2305G>A, p.Gly769Arg (NM_001681.4); short protein forms G769R.
Identifiers: ClinVar variation 17798 (VCV000017798.5), dbSNP rs121912736, ClinGen allele CA127425.

ClinVar aggregate classification (germline): Pathogenic. Review status: criteria provided, single submitter (1 of 4 stars). 2 submissions from 2 submitters: Pathogenic (1). 1 of the submissions does not count toward it. Last evaluated 2025-12-09.

Conditions:
Darier disease, segmental. Identifiers: MedGen C1852297.

Submissions (2):

GeneDx
Classification: Pathogenic. Last evaluated: 2025-12-09. Review status: criteria provided, single submitter. Criteria: GeneDx Variant Classification Process June 2021. Collection method: clinical testing. Allele origin: germline. Affected: yes.
Comment: Published functional studies demonstrate protein expression level was higher than 30% of wild type, but the variant completely abolished Ca2+-ATPase activity and Ca2+ transport activity, resulting in severe disruption of Ca2+ homeostasis (PMID: 16766529); Not observed at significant frequency in large population cohorts (gnomAD); Missense variants in this gene are a common cause of disease and they are underrepresented in the general population; In silico analysis supports that this missense variant has a deleterious effect on protein structure/function; This variant is associated with the following publications: (PMID: 33057194, 35982159, 28035777, 11121153, 22035154, 37195706, 7978298, 16766529)

OMIM
Classification: Pathogenic for DARIER DISEASE, SEGMENTAL. Last evaluated: 2000-12-01. Review status: no assertion criteria provided. Collection method: literature only. Allele origin: germline. Not counted in ClinVar's aggregate classification.

Literature cited by the submitters: PubMed 11121153 (cited by OMIM).